The following is an entry in ClinVar:

NM_001879.6(MASP1):c.1809+4A>G

Gene: MASP1 (MBL associated serine protease 1; minus strand). Cytogenetic location: 3q27.3.
Variant type: single nucleotide variant.
Coding change: c.1809+4A>G on transcript NM_001879.6 (MANE Plus Clinical); 4 bases into the intron after coding-DNA position 1809, A replaced by G.
Molecular consequence: intron variant.
Genome position (GRCh38, 1-based): chr3:187,223,123, T>C on the plus strand (A>G on the coding strand, the complement: MASP1 is on the minus strand). VCF-style: chr3-187223123-T-C. GRCh37 (hg19) VCF-style: chr3-186940911-T-C.
Identifiers: ClinVar variation 1029544 (VCV001029544.3), dbSNP rs1712167142, ClinGen allele CA1057455408.

ClinVar aggregate classification (germline): Uncertain significance (1 of 4 stars; one submission).

Conditions:
3MC syndrome 1. Also called: CRANIOSYNOSTOSIS WITH LID ANOMALIES; OCULOPALATOSKELETAL SYNDROME; MICHELS SYNDROME. Identifiers: Orphanet 293843, MedGen C0796059, MONDO:0009770, OMIM 257920.

Allele frequency attached by ClinVar (database versions not stated): gnomAD exomes 0.00001; gnomAD 0.00001.
gnomAD v4.1: 8 of 1,613,292 alleles (0.0005%); highest among the groups gnomAD compares: Non-Finnish European, 0.00068%; no homozygotes.

Submission:

Baylor Genetics
Classification: Uncertain significance for 3MC syndrome 1. Last evaluated: 2020-04-21. Review status: criteria provided, single submitter. Criteria: ACMG Guidelines, 2015. Collection method: clinical testing. Allele origin: unknown. Affected: yes.
Comment: This variant was determined to be of uncertain significance according to ACMG Guidelines, 2015 [PMID:25741868].